The following is an entry in ClinVar:

ClinVar aggregate classification (germline): Uncertain significance (1 of 4 stars; one submission).

Conditions:
Alpha-methylacyl-CoA racemase deficiency (AMACRD). Also called: AMACR deficiency. Identifiers: Orphanet 79095, MedGen C3280428, MONDO:0013681, OMIM 614307. Disease mechanism: loss of function.

Allele frequency attached by ClinVar (database versions not stated): ExAC 0.00004.
gnomAD v4.1: 2 of 1,576,254 alleles (0.00013%); highest among the groups gnomAD compares: South Asian, 0.0011%; no homozygotes.

Submission:

Labcorp Genetics (formerly Invitae), Labcorp
Classification: Uncertain significance for Alpha-methylacyl-CoA racemase deficiency. Last evaluated: 2021-12-02. Review status: criteria provided, single submitter. Criteria: Invitae Variant Classification Sherloc (09022015). Collection method: clinical testing. Allele origin: germline.
Comment: Algorithms developed to predict the effect of missense changes on protein structure and function (SIFT, PolyPhen-2, Align-GVGD) all suggest that this variant is likely to be tolerated. This variant has not been reported in the literature in individuals affected with AMACR-related conditions. The frequency data for this variant in the population databases is considered unreliable, as metrics indicate poor data quality at this position in the gnomAD database. This sequence change replaces alanine, which is neutral and non-polar, with threonine, which is neutral and polar, at codon 63 of the AMACR protein (p.Ala63Thr). In summary, the available evidence is currently insufficient to determine the role of this variant in disease. Therefore, it has been classified as a Variant of Uncertain Significance.

NM_014324.6(AMACR):c.187G>A (p.Ala63Thr)

Genes: C1QTNF3-AMACR (C1QTNF3-AMACR readthrough (NMD candidate); minus strand), AMACR (alpha-methylacyl-CoA racemase; minus strand). Cytogenetic location: 5p13.2.
Variant type: single nucleotide variant.
Coding change: c.187G>A on transcript NM_014324.6 (MANE Select); coding-DNA position 187, G replaced by A.
Protein change: p.Ala63Thr; replaces alanine 63 with threonine.
Molecular consequence: missense variant.
Genome position (GRCh38, 1-based): chr5:34,007,833, C>T on the plus strand (G>A on the coding strand, the complement: AMACR is on the minus strand). VCF-style: chr5-34007833-C-T. GRCh37 (hg19) VCF-style: chr5-34007938-C-T.
Other names: c.187G>A, p.Ala63Thr (NM_001167595.2, NM_203382.3); short protein forms A63T.
Identifiers: ClinVar variation 1906226 (VCV001906226.5), dbSNP rs761772572, ClinGen allele CA3226281.